The following is an entry in ClinVar:

NM_001370259.2(MEN1):c.148G>C (p.Val50Leu)

Gene: MEN1 (menin 1; minus strand). Cytogenetic location: 11q13.1.
Variant type: single nucleotide variant.
Coding change: c.148G>C on transcript NM_001370259.2 (MANE Select); coding-DNA position 148, G replaced by C.
Protein change: p.Val50Leu; replaces valine 50 with leucine.
Molecular consequence: missense variant.
Genome position (GRCh38, 1-based): chr11:64,809,962, C>G on the plus strand (G>C on the coding strand, the complement: MEN1 is on the minus strand). VCF-style: chr11-64809962-C-G. GRCh37 (hg19) VCF-style: chr11-64577434-C-G.
Other names: c.148G>C, p.Val50Leu (NM_000244.4, NM_001370251.2, NM_001370260.2 and 9 more transcripts); short protein forms V50L.
Identifiers: ClinVar variation 1394205 (VCV001394205.6), dbSNP rs1942011354, ClinGen allele CA381187796.
Genomic context (GRCh38, chr11:64,809,962, plus strand): 5'-CGGGGGCGGGGCTGGGCTGGAAGGTGAGCTCGGGAACGTTGGTAGGGATGACGCGGTTGA[C>G]AGCCAGAAAATGCTCCACGAAGCCCAGCACCAAGGAAAGGAGCACCAGGTCCGGCTCCTC-3'
Protein context (NP_001357188.2, residues 40-60): VLGFVEHFLA[Val50Leu]NRVIPTNVPE

ClinVar aggregate classification (germline): Uncertain significance (1 of 4 stars; one submission).

Conditions:
Multiple endocrine neoplasia, type 1 (MEN1). Also called: MEN I; WERMER SYNDROME; Endocrine adenomatosis multiple; MEN 1; MEA I. Identifiers: Orphanet 652, MedGen C0025267, MeSH D018761, MONDO:0007540, OMIM 131100.

Submission:

Labcorp Genetics (formerly Invitae), Labcorp
Classification: Uncertain significance for Multiple endocrine neoplasia, type 1. Last evaluated: 2021-11-19. Review status: criteria provided, single submitter. Criteria: Invitae Variant Classification Sherloc (09022015). Collection method: clinical testing. Allele origin: germline.
Comment: In summary, the available evidence is currently insufficient to determine the role of this variant in disease. Therefore, it has been classified as a Variant of Uncertain Significance. Advanced modeling of protein sequence and biophysical properties (such as structural, functional, and spatial information, amino acid conservation, physicochemical variation, residue mobility, and thermodynamic stability) performed at Invitae indicates that this missense variant is expected to disrupt MEN1 protein function. This variant has not been reported in the literature in individuals affected with MEN1-related conditions. This variant is not present in population databases (gnomAD no frequency). This sequence change replaces valine, which is neutral and non-polar, with leucine, which is neutral and non-polar, at codon 50 of the MEN1 protein (p.Val50Leu).